The following is an entry in ClinVar:

NM_024747.6(HPS6):c.2233G>A (p.Ala745Thr)

Gene: HPS6 (HPS6 biogenesis of lysosomal organelles complex 2 subunit 3; plus strand). Cytogenetic location: 10q24.32.
Variant type: single nucleotide variant.
Coding change: c.2233G>A on transcript NM_024747.6 (MANE Select); coding-DNA position 2233, G replaced by A.
Protein change: p.Ala745Thr; replaces alanine 745 with threonine.
Molecular consequence: missense variant.
Genome position (GRCh38, 1-based): chr10:102,067,707, G>A. VCF-style: chr10-102067707-G-A. GRCh37 (hg19) VCF-style: chr10-103827464-G-A.
Other names: short protein forms A745T.
Identifiers: ClinVar variation 2061482 (VCV002061482.4), dbSNP rs1411572380, ClinGen allele CA377877416.

ClinVar aggregate classification (germline): Uncertain significance (1 of 4 stars; one submission).

Allele frequency attached by ClinVar (database versions not stated): TOPMed below 0.00001; gnomAD 0.00001.
gnomAD v4.1: 1 of 1,613,506 alleles (0.000062%); highest among the groups gnomAD compares: African/African-American, 0.0013%; no homozygotes.

Submission:

Labcorp Genetics (formerly Invitae), Labcorp
Classification: Uncertain significance. Last evaluated: 2021-12-26. Review status: criteria provided, single submitter. Criteria: Invitae Variant Classification Sherloc (09022015). Collection method: clinical testing. Allele origin: germline.
Comment: This sequence change replaces alanine, which is neutral and non-polar, with threonine, which is neutral and polar, at codon 745 of the HPS6 protein (p.Ala745Thr). This variant is not present in population databases (gnomAD no frequency). This variant has not been reported in the literature in individuals affected with HPS6-related conditions. Algorithms developed to predict the effect of missense changes on protein structure and function output the following: SIFT: "Tolerated"; PolyPhen-2: "Benign"; Align-GVGD: "Class C0". The threonine amino acid residue is found in multiple mammalian species, which suggests that this missense change does not adversely affect protein function. In summary, the available evidence is currently insufficient to determine the role of this variant in disease. Therefore, it has been classified as a Variant of Uncertain Significance.